The following is an entry in ClinVar:

NM_000179.3(MSH6):c.1172_1173del (p.Asp390_Phe391insTer)

Gene: MSH6 (mutS homolog 6; plus strand). Cytogenetic location: 2p16.3.
Variant type: Deletion.
Coding change: c.1172_1173del on transcript NM_000179.3 (MANE Select); coding-DNA positions 1172 to 1173, 2 bases deleted (TT; older notation c.1172_1173delTT).
Protein change: p.Asp390_Phe391insTer.
Molecular consequence: nonsense. On other transcripts: non-coding transcript variant (4), intron variant (1).
Genome position (GRCh38, 1-based): chr2:47,799,155-47,799,156, TT deleted; deleting any 2 consecutive bases within chr2:47,799,153-47,799,156 gives the same sequence; the c. name uses the placement nearest the transcript's 3' end. VCF-style (leftmost placement, unchanged base first): chr2-47799152-ATT-A. GRCh37 (hg19) VCF-style: chr2-48026291-ATT-A.
Other names: c.782_783del, p.Asp260_Phe261insTer (NM_001281492.2); c.266_267del, p.Asp88_Phe89insTer (NM_001281493.2, NM_001281494.2, NM_001406811.1 and 6 more transcripts); c.1268_1269del, p.Asp422_Phe423insTer (NM_001406795.1, NM_001406802.1); c.1172_1173del, p.Asp390_Phe391insTer (NM_001406796.1, NM_001406798.1, NM_001406800.1 and 4 more transcripts); c.875_876del, p.Asp291_Phe292insTer (NM_001406797.1, NM_001406801.1, NM_001406805.1 and 10 more transcripts); c.647_648del, p.Asp215_Phe216insTer (NM_001406799.1, NM_001406806.1, NM_001406807.1); c.1094_1095del, p.Asp364_Phe365insTer (NM_001406804.1); c.1178_1179del, p.Asp392_Phe393insTer (NM_001406813.1); and 2 more.
Identifiers: ClinVar variation 4720450 (VCV004720450.1).

ClinVar aggregate classification (germline): Pathogenic (1 of 4 stars; one submission).

Conditions:
Hereditary nonpolyposis colorectal neoplasms. Identifiers: MedGen C0009405, MeSH D003123.

Submission:

Labcorp Genetics (formerly Invitae), Labcorp
Classification: Pathogenic for Hereditary nonpolyposis colorectal neoplasms. Last evaluated: 2025-05-30. Review status: criteria provided, single submitter. Criteria: Invitae Variant Classification Sherloc (09022015). Collection method: clinical testing. Allele origin: germline.
Comment: This sequence change creates a premature translational stop signal (p.Phe391*) in the MSH6 gene. It is expected to result in an absent or disrupted protein product. Loss-of-function variants in MSH6 are known to be pathogenic (PMID: 18269114, 24362816). This variant is not present in population databases (gnomAD no frequency). This variant has not been reported in the literature in individuals affected with MSH6-related conditions. For these reasons, this variant has been classified as Pathogenic.

Literature cited by the submitters: PubMed 18269114; PubMed 24362816.